The following is an entry in ClinVar:

ClinVar aggregate classification (germline): Uncertain significance (1 of 4 stars; one submission).

Conditions:
Epilepsy, familial focal, with variable foci 3 (FFEVF3). Identifiers: MedGen C4310708, MONDO:0014925, OMIM 617118.

Allele frequency attached by ClinVar (database versions not stated): gnomAD exomes below 0.00001 and 0.00001; ExAC 0.00001; TOPMed 0.00005; gnomAD 0.00006.
gnomAD v4.1: 16 of 1,530,216 alleles (0.001%); highest among the groups gnomAD compares: African/African-American, 0.021%; no homozygotes.

Submission:

Labcorp Genetics (formerly Invitae), Labcorp
Classification: Uncertain significance for Epilepsy, familial focal, with variable foci 3. Last evaluated: 2025-03-03. Review status: criteria provided, single submitter. Criteria: Invitae Variant Classification Sherloc (09022015). Collection method: clinical testing. Allele origin: germline.
Comment: This sequence change falls in intron 7 of the NPRL3 gene. It does not directly change the encoded amino acid sequence of the NPRL3 protein. The frequency data for this variant in the population databases is considered unreliable, as metrics indicate poor data quality at this position in the gnomAD database. This variant has not been reported in the literature in individuals affected with NPRL3-related conditions. ClinVar contains an entry for this variant (Variation ID: 1498235). Algorithms developed to predict the effect of sequence changes on RNA splicing suggest that this variant may disrupt the consensus splice site. In summary, the available evidence is currently insufficient to determine the role of this variant in disease. Therefore, it has been classified as a Variant of Uncertain Significance.

NM_001077350.3(NPRL3):c.630-19C>G

Genes: HBA-LCR (alpha-globin locus control region; plus strand), NPRL3 (NPR3 like, GATOR1 complex subunit; minus strand). Cytogenetic location: 16p13.3.
Variant type: single nucleotide variant.
Coding change: c.630-19C>G on transcript NM_001077350.3 (MANE Select); 19 bases into the intron before coding-DNA position 630, C replaced by G.
Molecular consequence: intron variant.
Genome position (GRCh38, 1-based): chr16:100,528, G>C on the plus strand (C>G on the coding strand, the complement: NPRL3 is on the minus strand). VCF-style: chr16-100528-G-C. GRCh37 (hg19) VCF-style: chr16-150526-G-C.
Other names: c.396-19C>G (NM_001243247.2); c.555-19C>G (NM_001243248.2, NM_001243249.2); c.93-19C>G (NM_001039476.3).
Identifiers: ClinVar variation 1498235 (VCV001498235.8), dbSNP rs753781901, ClinGen allele CA7769596.